The following continues an entry in ClinVar:

NM_000492.4(CFTR):c.350G>A (p.Arg117His)

Gene: CFTR. ClinVar aggregate classification (germline): Pathogenic. Pathogenic (1).

Submissions 40 to 50 of 50:

Women's Health and Genetics/Laboratory Corporation of America, LabCorp
Classification: Pathogenic for Cystic fibrosis. Last evaluated: 2016-04-11. Review status: criteria provided, single submitter. Criteria: LabCorp Variant Classification Summary - May 2015. Collection method: clinical testing. Allele origin: germline. Not counted in ClinVar's aggregate classification.
Comment: Variant summary: The variant of interest causes a missense change involving a conserved nucleotide with 5/5 in silico programs predicting a "deleterious" outcome. The variant of interest was observed in the large, broad control population, ExAC, with an allele frequency of 185/120360 (1/650), which does not exceed the predicted maximum expected allele frequency for a pathogenic CFTR variant of 1/100. The variant of interest has been reported in multiple affected individuals via publications and databases that indicate that the variant of interest is a common disease variant with varying severity dependent on additional CFTR variants in cis and trans. Functional studies indicate that the variant of interest impedes wild type function. In addition, multiple reputable clinical laboratories cite the variant with a classification of "pathogenic." Therefore, taking all available lines of evidence into consideration, the variant of interest is classified as Pathogenic.

Center for Pediatric Genomic Medicine, Children's Mercy Hospital and Clinics
Classification: Pathogenic. Last evaluated: 2015-02-11. Review status: criteria provided, single submitter. Criteria: ACMG Guidelines, 2015. Collection method: clinical testing. Allele origin: germline. Not counted in ClinVar's aggregate classification.

HudsonAlpha Institute for Biotechnology
Classification: Likely pathogenic for Cystic fibrosis. Last evaluated: 2014-11-04. Review status: criteria provided, single submitter. Criteria: HA_assertions_20150911. Collection method: research. Allele origin: unknown, maternal, paternal. Observed: 5 variant alleles. Study: CSER-HudsonAlpha. Not counted in ClinVar's aggregate classification.

Courtagen Diagnostics Laboratory, Courtagen Life Sciences
Classification: Pathogenic for Cystic fibrosis. Last evaluated: 2014-04-23. Review status: criteria provided, single submitter. Criteria: Courtagen Life Sciences Classifications. Collection method: clinical testing. Allele origin: germline. Not counted in ClinVar's aggregate classification.

Baylor Genetics
Classification: Pathogenic for Congenital bilateral aplasia of vas deferens from CFTR mutation; Cystic fibrosis. Review status: criteria provided, single submitter. Criteria: ACMG Guidelines, 2015. Collection method: clinical testing. Allele origin: germline. Not counted in ClinVar's aggregate classification.

Kariminejad - Najmabadi Pathology & Genetics Center
Classification: Pathogenic for Cystic fibrosis. Review status: criteria provided, single submitter. Criteria: ACMG Guidelines, 2015. Collection method: clinical testing. Allele origin: germline. Affected: no. Not counted in ClinVar's aggregate classification.

Genome Diagnostics Laboratory, The Hospital for Sick Children
Classification: Pathogenic for CFTR-related disorders. Last evaluated: 2019-07-23. Review status: no assertion criteria provided. Collection method: clinical testing. Allele origin: germline. Not counted in ClinVar's aggregate classification.

OMIM
Classification: Pathogenic for CYSTIC FIBROSIS. Last evaluated: 2009-11-01. Review status: no assertion criteria provided. Collection method: literature only. Allele origin: germline. Not counted in ClinVar's aggregate classification.

OMIM
Classification: Pathogenic for VAS DEFERENS, CONGENITAL BILATERAL ABSENCE OF. Last evaluated: 2009-11-01. Review status: no assertion criteria provided. Collection method: literature only. Allele origin: germline. Not counted in ClinVar's aggregate classification.

Department of Pathology and Laboratory Medicine, Sinai Health System
Classification: Pathogenic. Review status: no assertion criteria provided. Collection method: clinical testing. Allele origin: unknown. Affected: yes. Study: The Canadian Open Genetics Repository (COGR). Not counted in ClinVar's aggregate classification.
Comment: The CFTR p.R117H variant has been reported in the literature as a common variant known to be associated with Cystic Fibrosis (CF) and CF-related diseases, however the phenotype may range from asymptomatic to the classical CF phenotype (Thauvin-Robinet_2013_PMID:23378603; De-Nooijer_2011_PMID:21507732; Thauvin-Robinet_2009_PMID:19880712; Ong_2001_PMID:20301428; White_2001_PMID:11746017; Massie_2001_PMID:11491164; Dasouki_1998_PMID:9557894). The severity of the p.R117H variant has been reported to depend on variation of the poly T tract in intron 9 of the CFTR gene. When the p.R117H variant is found in cis with the 5T variant individuals typically display a more severe phenotype, while individuals with the p.R117H variant and the 7T or 9T variants may have a mild or aymptomatic phenotype (Massie_2001_PMID:11491164; Chmiel_1999_PMID:10103316; Kieswetter_1993_PMID:7506096).Â¬â€ The variant was identified in dbSNP (ID: rs78655421) and ClinVar (classified as pathogenic by Ambry Genetics, Laboratory for Molecular Medicine and 17 other submitters; as likely pathogenic by Hudson Alpha Institute for Biotechnology; as uncertain significance by Invitae; and as 'drug response' by PharmGKB). The variant was identified in control databases in 406 of 282346 chromosomes (1 homozygous) at a frequency of 0.001438, and was observed at the highest frequency in the European (non-Finnish) population in 323 of 128902 chromosomes (1 homozygous) (freq: 0.002506) (Genome Aggregation Database March 6, 2019, v2.1.1). The variant occurs outside of the splicing consensus sequence and in silico or computational prediction software programs (Splice AI exome) do not predict a difference in splicing. The p.R117 residue is conserved in mammals and more distantly related organisms, and computational analyses (MUT Assesor, PolyPhen-2, SIFT, MutationTaster, Revel, FATHMM, MetaLR, DANN) suggest that the variant may impact the protein. Functional evidence indicates that the p.R117H variant causes gating defects in CFTR function and results in reduced channel conductance, but retains some residual activity (Yu_2016_PMID:26846474). In summary, based on the above information this variant meets our laboratoryâ€šÃ„Ã´s criteria to be classified as pathogenic.

GeneReviews
No classification provided. Condition: Cystic fibrosis. Review status: no classification provided. Collection method: literature only. Allele origin: unknown. Not counted in ClinVar's aggregate classification.

Literature cited by the submitters: PMC 3110945 (cited by American College of Medical Genetics and Genomics  (ACMG)); PubMed 23891399 (cited by 4 submitters); PubMed 25698453 (cited by ClinPGx); PubMed 26070913 (cited by ClinPGx); PubMed 26324139 (cited by 4 submitters); PubMed 28419121 (cited by ClinPGx and Quest Diagnostics Nichols Institute San Juan Capistrano); PubMed 7506096 (cited by 8 submitters); PubMed 11491164 (cited by 6 submitters); PubMed 34782259 (cited by Labcorp Genetics (formerly Invitae), Labcorp and Rare Kidney Stone Consortium and the Mayo Clinic Hyperoxaluria Center, Mayo Clinic); PubMed 18078365 (cited by 4 submitters); PubMed 27364092 (cited by 4 submitters); PubMed 7692051 (cited by 6 submitters); PubMed 19880712 (cited by 5 submitters); PubMed 21507732 (cited by 4 submitters); PubMed 23378603 (cited by 5 submitters); PubMed 11242048 (cited by Labcorp Genetics (formerly Invitae), Labcorp); PubMed 16951024 (cited by Natera, Inc.); PubMed 2344617 (cited by 3 submitters); PubMed 7680769 (cited by 4 submitters); PubMed 10103316 (cited by 4 submitters); PubMed 11484207 (cited by 3 submitters); PubMed 12767731 (cited by 4 submitters); PubMed 14618962 (cited by 3 submitters); PubMed 15246977 (cited by 4 submitters); PubMed 15775704 (cited by 3 submitters); PubMed 16266832 (cited by 3 submitters); PubMed 17015492 (cited by 4 submitters); PubMed 18456578 (cited by 4 submitters); PubMed 18394117 (cited by 3 submitters); PubMed 18778819 (cited by 3 submitters); PubMed 20021716 (cited by 3 submitters); PubMed 20797923 (cited by 3 submitters); PubMed 19885835 (cited by 3 submitters); PubMed 20619026 (cited by 3 submitters); PubMed 21228398 (cited by 3 submitters); PubMed 21594800 (cited by 3 submitters); PubMed 20923678 (cited by 3 submitters); PubMed 21520337 (cited by 3 submitters); PubMed 22332135 (cited by 3 submitters); PubMed 22366207 (cited by 3 submitters); PubMed 22572128 (cited by 3 submitters); PubMed 22658665 (cited by 3 submitters); PubMed 23420618 (cited by 3 submitters); PubMed 23751316 (cited by 3 submitters); PubMed 22975760 (cited by 3 submitters); PubMed 23951356 (cited by 3 submitters); PubMed 23974870 (cited by 6 submitters); PubMed 24440181 (cited by 4 submitters); PubMed 25033378 (cited by 3 submitters); PubMed 25797027 (cited by 3 submitters); PubMed 27171515 (cited by 3 submitters); PubMed 26846474 (cited by 4 submitters); PubMed 31036917 (cited by 3 submitters); PubMed 31589614 (cited by 3 submitters); PubMed 30279124 (cited by 3 submitters); PubMed 31199594 (cited by 3 submitters); PubMed 31213628 (cited by 3 submitters); PubMed 31447099 (cited by 3 submitters); PubMed 32327388 (cited by Rare Kidney Stone Consortium and the Mayo Clinic Hyperoxaluria Center, Mayo Clinic); PubMed 31980526 (cited by 3 submitters); PubMed 32429104 (cited by 3 submitters); PubMed 34860163 (cited by Rare Kidney Stone Consortium and the Mayo Clinic Hyperoxaluria Center, Mayo Clinic); PubMed 34426522 (cited by Rare Kidney Stone Consortium and the Mayo Clinic Hyperoxaluria Center, Mayo Clinic and Quest Diagnostics Nichols Institute San Juan Capistrano); PubMed 34489188 (cited by Rare Kidney Stone Consortium and the Mayo Clinic Hyperoxaluria Center, Mayo Clinic); PubMed 34405919 (cited by Rare Kidney Stone Consortium and the Mayo Clinic Hyperoxaluria Center, Mayo Clinic); PubMed 35314707 (cited by Rare Kidney Stone Consortium and the Mayo Clinic Hyperoxaluria Center, Mayo Clinic); PubMed 35982373 (cited by Rare Kidney Stone Consortium and the Mayo Clinic Hyperoxaluria Center, Mayo Clinic); PubMed 36007526 (cited by Rare Kidney Stone Consortium and the Mayo Clinic Hyperoxaluria Center, Mayo Clinic); PubMed 34996830 (cited by Rare Kidney Stone Consortium and the Mayo Clinic Hyperoxaluria Center, Mayo Clinic); PubMed 35858753 (cited by Rare Kidney Stone Consortium and the Mayo Clinic Hyperoxaluria Center, Mayo Clinic); PubMed 35753512 (cited by Rare Kidney Stone Consortium and the Mayo Clinic Hyperoxaluria Center, Mayo Clinic); PubMed 37989334 (cited by Rare Kidney Stone Consortium and the Mayo Clinic Hyperoxaluria Center, Mayo Clinic); PubMed 37175647 (cited by Rare Kidney Stone Consortium and the Mayo Clinic Hyperoxaluria Center, Mayo Clinic); PubMed 37443404 (cited by Rare Kidney Stone Consortium and the Mayo Clinic Hyperoxaluria Center, Mayo Clinic); PubMed 38523675 (cited by Rare Kidney Stone Consortium and the Mayo Clinic Hyperoxaluria Center, Mayo Clinic); PubMed 39402445 (cited by Rare Kidney Stone Consortium and the Mayo Clinic Hyperoxaluria Center, Mayo Clinic); PubMed 40794449 (cited by Rare Kidney Stone Consortium and the Mayo Clinic Hyperoxaluria Center, Mayo Clinic); PubMed 27469177 (cited by Ambry Genetics); PubMed 32404922 (cited by Quest Diagnostics Nichols Institute San Juan Capistrano); PubMed 11746017 (cited by Quest Diagnostics Nichols Institute San Juan Capistrano and OMIM); PubMed 9435322 (cited by Quest Diagnostics Nichols Institute San Juan Capistrano); PubMed 11280952 (cited by Quest Diagnostics Nichols Institute San Juan Capistrano and Illumina Laboratory Services, Illumina); PubMed 15371902 (cited by 3 submitters); PubMed 19092437 (cited by Laboratory for Molecular Medicine, Mass General Brigham Personalized Medicine and Women's Health and Genetics/Laboratory Corporation of America, LabCorp); PubMed 10341008 (cited by Women's Health and Genetics/Laboratory Corporation of America, LabCorp); PubMed 7599637 (cited by Women's Health and Genetics/Laboratory Corporation of America, LabCorp); PubMed 7522329 (cited by Women's Health and Genetics/Laboratory Corporation of America, LabCorp); PubMed 10653141 (cited by Women's Health and Genetics/Laboratory Corporation of America, LabCorp); PubMed 9259197 (cited by Women's Health and Genetics/Laboratory Corporation of America, LabCorp); PubMed 7573058 (cited by Women's Health and Genetics/Laboratory Corporation of America, LabCorp); PubMed 8698344 (cited by Women's Health and Genetics/Laboratory Corporation of America, LabCorp); PubMed 11737931 (cited by Women's Health and Genetics/Laboratory Corporation of America, LabCorp); PubMed 9272157 (cited by Women's Health and Genetics/Laboratory Corporation of America, LabCorp); PubMed 9557894 (cited by Women's Health and Genetics/Laboratory Corporation of America, LabCorp); PubMed 9950763 (cited by Women's Health and Genetics/Laboratory Corporation of America, LabCorp); PubMed 9259194 (cited by Women's Health and Genetics/Laboratory Corporation of America, LabCorp); PubMed 11168024 (cited by Women's Health and Genetics/Laboratory Corporation of America, LabCorp); PubMed 1283148 (cited by Women's Health and Genetics/Laboratory Corporation of America, LabCorp); PubMed 10909845 (cited by Women's Health and Genetics/Laboratory Corporation of America, LabCorp); PubMed 8825927 (cited by Women's Health and Genetics/Laboratory Corporation of America, LabCorp); PubMed 7544788 (cited by Women's Health and Genetics/Laboratory Corporation of America, LabCorp); PubMed 9550361 (cited by Women's Health and Genetics/Laboratory Corporation of America, LabCorp); PubMed 1937486 (cited by OMIM); PubMed 8421472 (cited by OMIM); PubMed 2349952 (cited by OMIM); PubMed 20301428 (cited by GeneReviews).